The following is an entry in ClinVar:

NM_004655.4(AXIN2):c.1994del (p.Gly665fs)

Gene: AXIN2 (axin 2; minus strand). Cytogenetic location: 17q24.1.
Variant type: Deletion.
Coding change: c.1994del on transcript NM_004655.4 (MANE Select); coding-DNA position 1994, one base deleted (G; older notation c.1994delG).
Protein change: p.Gly665fs; shifts the reading frame from glycine 665.
Molecular consequence: frameshift variant.
Genome position (GRCh38, 1-based): chr17:65,536,467, C deleted on the plus strand (G on the coding strand, the reverse complement: AXIN2 is on the minus strand); the first of 7 consecutive C bases (chr17:65,536,467-65,536,473); deleting any one gives the same sequence. VCF-style (leftmost placement, unchanged base first): chr17-65536466-GC-G. GRCh37 (hg19) VCF-style: chr17-63532584-GC-G.
Other names: L688*; c.1799del, p.Gly600fs (NM_001363813.1); c.1994del, p.Gly665Alafs (LRG_296t1); c.1994del (NM_004655.3); short protein forms G665fs, G600fs.
Identifiers: ClinVar variation 5880 (VCV000005880.16), dbSNP rs267606674, ClinGen allele CA250538.

ClinVar aggregate classification (germline): Pathogenic/Likely pathogenic. Review status: criteria provided, multiple submitters, no conflicts (2 of 4 stars). 5 submissions from 5 submitters: Pathogenic (3); Likely pathogenic (1). 1 of the submissions does not count toward it. Last evaluated 2025-06-24.

Conditions:
Hereditary cancer-predisposing syndrome. Also called: Tumor predisposition; Hereditary Cancer Syndrome; Neoplastic Syndromes, Hereditary; Hereditary neoplastic syndrome. Identifiers: Orphanet 140162, MedGen C0027672, MeSH D009386, MONDO:0015356.
Colorectal cancer. Also called: Malignant Colorectal Neoplasm; Colorectal cancer, somatic. Identifiers: MedGen C0346629, MONDO:0005575, OMIM 114500.
Carcinoma of colon (CRC). Also called: Colonic carcinoma; Colon carcinoma. Identifiers: MedGen C0699790, MONDO:0002032.
Oligodontia-cancer predisposition syndrome. Also called: TOOTH AGENESIS-COLORECTAL CANCER SYNDROME. Identifiers: Orphanet 300576, MedGen C1837750, MONDO:0012075, OMIM 608615. Disease mechanism: loss of function.

Submissions (5):

Labcorp Genetics (formerly Invitae), Labcorp
Classification: Pathogenic for Oligodontia-cancer predisposition syndrome. Last evaluated: 2025-06-24. Review status: criteria provided, single submitter. Criteria: Invitae Variant Classification Sherloc (09022015). Collection method: clinical testing. Allele origin: germline.
Comment: This sequence change creates a premature translational stop signal (p.Gly665Alafs*24) in the AXIN2 gene. It is expected to result in an absent or disrupted protein product. Loss-of-function variants in AXIN2 are known to be pathogenic (PMID: 15042511, 21416598). This variant is not present in population databases (gnomAD no frequency). This variant has not been reported in the literature in individuals affected with AXIN2-related conditions. ClinVar contains an entry for this variant (Variation ID: 5880). For these reasons, this variant has been classified as Pathogenic.

Ambry Genetics
Classification: Pathogenic for Hereditary cancer-predisposing syndrome. Last evaluated: 2025-06-21. Review status: criteria provided, single submitter. Criteria: Ambry Variant Classification Scheme 2023. Collection method: clinical testing. Allele origin: germline.
Comment: The c.1994delG pathogenic mutation, located in coding exon 7 of the AXIN2 gene, results from a deletion of one nucleotide at nucleotide position 1994, causing a translational frameshift with a predicted alternate stop codon (p.G665Afs*24). This alteration is expected to result in loss of function by premature protein truncation or nonsense-mediated mRNA decay. As such, this alteration is interpreted as a disease-causing mutation.

Myriad Genetics, Inc.
Classification: Pathogenic for Oligodontia-cancer predisposition syndrome. Last evaluated: 2023-05-17. Review status: criteria provided, single submitter. Criteria: Myriad Autosomal Dominant, Autosomal Recessive and X-Linked Classification Criteria (2023). Collection method: clinical testing. Allele origin: unknown.
Comment: This variant is considered pathogenic. This variant creates a frameshift predicted to result in premature protein truncation.

Baylor Genetics
Classification: Likely pathogenic for Colorectal cancer. Last evaluated: 2022-07-05. Review status: criteria provided, single submitter. Criteria: ACMG Guidelines, 2015. Collection method: clinical testing. Allele origin: unknown.

OMIM
Classification: Pathogenic for COLORECTAL CANCER, SOMATIC. Last evaluated: 2000-10-01. Review status: no assertion criteria provided. Collection method: literature only. Allele origin: somatic. Not counted in ClinVar's aggregate classification.

Literature cited by the submitters: PubMed 15042511 (cited by Labcorp Genetics (formerly Invitae), Labcorp); PubMed 21416598 (cited by Labcorp Genetics (formerly Invitae), Labcorp); PubMed 11017067 (cited by OMIM).